The following is an entry in ClinVar:

NM_000352.6(ABCC8):c.639G>A (p.Leu213=)

Gene: ABCC8 (ATP binding cassette subfamily C member 8; minus strand). Cytogenetic location: 11p15.1.
Variant type: single nucleotide variant.
Coding change: c.639G>A on transcript NM_000352.6 (MANE Select); coding-DNA position 639, G replaced by A.
Protein change: p.Leu213=; no amino-acid change (leucine 213 retained).
Molecular consequence: synonymous variant. On other transcripts: non-coding transcript variant (1).
Genome position (GRCh38, 1-based): chr11:17,461,766, C>T on the plus strand (G>A on the coding strand, the complement: ABCC8 is on the minus strand). VCF-style: chr11-17461766-C-T. GRCh37 (hg19) VCF-style: chr11-17483313-C-T.
Other names: c.639G>A, p.Leu213= (NM_001287174.3, NM_001351295.2, NM_001351296.2 and 1 more transcripts).
Identifiers: ClinVar variation 1112025 (VCV001112025.13), dbSNP rs1483834388, ClinGen allele CA473516232.

ClinVar aggregate classification (germline): Conflicting classifications of pathogenicity. Review status: criteria provided, conflicting classifications (1 of 4 stars). 4 submissions from 3 submitters: Uncertain significance (2); Likely benign (2). Last evaluated 2021-07-22.

Conditions:
Maturity-onset diabetes of the young (MODY). Also called: Maturity onset diabetes mellitus in young. Identifiers: Orphanet 552, MedGen C0342276, MONDO:0018911, HP:0004904.
Inborn genetic diseases. Identifiers: MedGen C0950123, MeSH D030342.
Transitory neonatal diabetes mellitus. Also called: Transient neonatal diabetes mellitus. Identifiers: MedGen C0342273, MONDO:0020525, HP:0008255.

Allele frequency attached by ClinVar (database versions not stated): gnomAD exomes below 0.00001.
gnomAD v4.1: 1 of 1,614,178 alleles (0.000062%); highest among the groups gnomAD compares: Non-Finnish European, 0.000085%; no homozygotes.

Submissions (4):

Ambry Genetics
Classification: Likely benign for Inborn genetic diseases. Last evaluated: 2021-07-22. Review status: criteria provided, single submitter. Criteria: Ambry Variant Classification Scheme 2023. Collection method: clinical testing. Allele origin: germline.

Labcorp Genetics (formerly Invitae), Labcorp
Classification: Likely benign. Last evaluated: 2020-01-13. Review status: criteria provided, single submitter. Criteria: Invitae Variant Classification Sherloc (09022015). Collection method: clinical testing. Allele origin: germline.

Clinical Genomics, Uppaluri K&H Personalized Medicine Clinic
Classification: Uncertain significance for Transitory neonatal diabetes mellitus. Review status: criteria provided, single submitter. Criteria: K & H Uppaluri Personalized Medicine Clinic Variant Classification & Assertion Criteria_Updated V.1. Collection method: research. Allele origin: unknown. Inheritance: Somatic mutation.
Comment: Mutations in ABCC8 gene are associated with both neonatal diabetes mellitus as well as MODY. Patients with this mutation may have a better response to sulfonylureas. However, no sufficient evidence is found to ascertain the role of this particular variant (rs1483834388) in neonatal diabetes yet.

Clinical Genomics, Uppaluri K&H Personalized Medicine Clinic
Classification: Uncertain significance for Maturity-onset diabetes of the young. Review status: criteria provided, single submitter. Criteria: K & H Uppaluri Personalized Medicine Clinic Variant Classification & Assertion Criteria_Updated V.1. Collection method: research. Allele origin: unknown. Inheritance: Somatic mutation.
Comment: Mutations in ABCC8 gene are associated with both neonatal diabetes mellitus as well as MODY. Patients with this mutation may have a better response to sulfonylureas. However, no sufficient evidence is found to ascertain the role of this particular variant (rs1483834388) in MODY yet.

Literature cited by the submitters: PubMed 16885549 (cited by Clinical Genomics, Uppaluri K&H Personalized Medicine Clinic); PubMed 21989597 (cited by Clinical Genomics, Uppaluri K&H Personalized Medicine Clinic); PubMed 27538677 (cited by Clinical Genomics, Uppaluri K&H Personalized Medicine Clinic); PubMed 18981553 (cited by Clinical Genomics, Uppaluri K&H Personalized Medicine Clinic); PubMed 32027066 (cited by Clinical Genomics, Uppaluri K&H Personalized Medicine Clinic); PubMed 16613899 (cited by Clinical Genomics, Uppaluri K&H Personalized Medicine Clinic); PubMed 18025408 (cited by Clinical Genomics, Uppaluri K&H Personalized Medicine Clinic); PubMed 32792356 (cited by Clinical Genomics, Uppaluri K&H Personalized Medicine Clinic).